The following is an entry in ClinVar:

NM_172364.5(CACNA2D4):c.1613G>A (p.Arg538Lys)

Gene: CACNA2D4 (calcium voltage-gated channel auxiliary subunit alpha2delta 4; minus strand). Cytogenetic location: 12p13.33.
Variant type: single nucleotide variant.
Coding change: c.1613G>A on transcript NM_172364.5 (MANE Select); coding-DNA position 1613, G replaced by A.
Protein change: p.Arg538Lys; replaces arginine 538 with lysine.
Molecular consequence: missense variant.
Genome position (GRCh38, 1-based): chr12:1,878,987, C>T on the plus strand (G>A on the coding strand, the complement: CACNA2D4 is on the minus strand). VCF-style: chr12-1878987-C-T. GRCh37 (hg19) VCF-style: chr12-1988153-C-T.
Other names: short protein forms R538K.
Identifiers: ClinVar variation 1931576 (VCV001931576.5), dbSNP rs1865937595, ClinGen allele CA383354049.
Genomic context (GRCh38, chr12:1,878,987, plus strand): 5'-ATCCCCACAGGGAACAGACCCAGGCTCACCTTGTACCGGGGCGCCAGCTTCATCAGCTCT[C>T]TCAGGGCCACATCTGAGCCCACCACACCCAGGAGAATGCCATGGGATCGCTGGAAGGAAA-3'
Protein context (NP_758952.4, residues 528-548): LGVVGSDVAL[Arg538Lys]ELMKLAPRYK

ClinVar aggregate classification (germline): Uncertain significance (1 of 4 stars; one submission).

Allele frequency attached by ClinVar (database versions not stated): gnomAD exomes below 0.00001.
gnomAD v4.1: 1 of 1,613,910 alleles (0.000062%); highest among the groups gnomAD compares: Non-Finnish European, 0.000085%; no homozygotes.

Submission:

Labcorp Genetics (formerly Invitae), Labcorp
Classification: Uncertain significance. Last evaluated: 2022-03-20. Review status: criteria provided, single submitter. Criteria: Invitae Variant Classification Sherloc (09022015). Collection method: clinical testing. Allele origin: germline.
Comment: In summary, the available evidence is currently insufficient to determine the role of this variant in disease. Therefore, it has been classified as a Variant of Uncertain Significance. Algorithms developed to predict the effect of missense changes on protein structure and function (SIFT, PolyPhen-2, Align-GVGD) all suggest that this variant is likely to be tolerated. This variant has not been reported in the literature in individuals affected with CACNA2D4-related conditions. This variant is not present in population databases (gnomAD no frequency). This sequence change replaces arginine, which is basic and polar, with lysine, which is basic and polar, at codon 538 of the CACNA2D4 protein (p.Arg538Lys).